The following is an entry in ClinVar:

NM_001042492.3(NF1):c.730G>T (p.Glu244Ter)

Gene: NF1 (neurofibromin 1; plus strand). Cytogenetic location: 17q11.2.
Variant type: single nucleotide variant.
Coding change: c.730G>T on transcript NM_001042492.3 (MANE Select); coding-DNA position 730, G replaced by T.
Protein change: p.Glu244Ter; replaces glutamic acid 244 with a stop codon.
Molecular consequence: nonsense.
Genome position (GRCh38, 1-based): chr17:31,181,785, G>T. VCF-style: chr17-31181785-G-T. GRCh37 (hg19) VCF-style: chr17-29508803-G-T.
Other names: c.730G>T, p.Glu244Ter (NM_001128147.3, NM_000267.4); short protein forms E244*.
Identifiers: ClinVar variation 3340241 (VCV003340241.2).

ClinVar aggregate classification (germline): Pathogenic. Review status: criteria provided, multiple submitters, no conflicts (2 of 4 stars). 2 submissions from 2 submitters: Pathogenic (2). Last evaluated 2024-06-03.

Conditions:
Neurofibromatosis, type 1 (NF1). Also called: VON RECKLINGHAUSEN DISEASE; Peripheral type neurofibromatosis; Neurofibromatosis, type I; NEUROFIBROMATOSIS, TYPE I, SOMATIC. Identifiers: Orphanet 636, MedGen C0027831, MONDO:0018975, OMIM 162200. Disease mechanism: loss of function.

Submissions (2):

Clinical Genetics and Genomics, Karolinska University Hospital
Classification: Pathogenic for Neurofibromatosis, type 1. Last evaluated: 2024-06-03. Review status: criteria provided, single submitter. Criteria: ACMG Guidelines, 2015. Collection method: clinical testing. Allele origin: de novo. Inheritance: Autosomal dominant inheritance. Affected: yes.

GeneDx
Classification: Pathogenic. Last evaluated: 2023-09-07. Review status: criteria provided, single submitter. Criteria: GeneDx Variant Classification Process June 2021. Collection method: clinical testing. Allele origin: germline. Affected: yes.
Comment: Nonsense variant predicted to result in protein truncation or nonsense mediated decay in a gene for which loss of function is a known mechanism of disease; Not observed at significant frequency in large population cohorts (gnomAD); Has not been previously published as pathogenic or benign to our knowledge